The following is an entry in ClinVar:

NM_003640.5(ELP1):c.3572+1G>A

Gene: ELP1 (elongator acetyltransferase complex subunit 1; minus strand). Cytogenetic location: 9q31.3.
Variant type: single nucleotide variant.
Coding change: c.3572+1G>A on transcript NM_003640.5 (MANE Select); the canonical splice donor site of the intron after coding-DNA position 3572, G replaced by A.
Molecular consequence: splice donor variant.
Genome position (GRCh38, 1-based): chr9:108,879,445, C>T on the plus strand (G>A on the coding strand, the complement: ELP1 is on the minus strand). VCF-style: chr9-108879445-C-T. GRCh37 (hg19) VCF-style: chr9-111641725-C-T.
Other names: c.3230+1G>A (NM_001318360.2); c.2525+1G>A (NM_001330749.2); c.3572+1G>A (NM_003640.4).
Identifiers: ClinVar variation 651159 (VCV000651159.13), dbSNP rs571348995, ClinGen allele CA197520261.

ClinVar aggregate classification (germline): Likely pathogenic. Review status: criteria provided, multiple submitters, no conflicts (2 of 4 stars). 4 submissions from 4 submitters: Likely pathogenic (4). Last evaluated 2026-01-06.

Conditions:
Familial dysautonomia. Also called: HSAN III; FD. Identifiers: Orphanet 1764, MedGen C0013364, MONDO:0009131, OMIM 223900. Disease mechanism: loss of function.
Medulloblastoma (MDB). Also called: Medulloblastoma, somatic; MEDULLOBLASTOMA PREDISPOSITION SYNDROME. Identifiers: Orphanet 616, MedGen C0025149, MeSH D008527, MONDO:0007959, OMIM 155255, HP:0002885.

Allele frequency attached by ClinVar (database versions not stated): gnomAD 0.00001; gnomAD exomes 0.00001; TOPMed 0.00002.
gnomAD v4.1: 6 of 1,600,400 alleles (0.00037%); highest among the groups gnomAD compares: Non-Finnish European, 0.00043%; no homozygotes.

Submissions (4):

Labcorp Genetics (formerly Invitae), Labcorp
Classification: Likely pathogenic. Last evaluated: 2026-01-06. Review status: criteria provided, single submitter. Criteria: Invitae Variant Classification Sherloc (09022015). Collection method: clinical testing. Allele origin: germline.
Comment: This sequence change affects a donor splice site in intron 33 of the ELP1 gene. It is expected to disrupt RNA splicing. Variants that disrupt the donor or acceptor splice site typically lead to a loss of protein function (PMID: 16199547), and loss-of-function variants in ELP1 are known to be pathogenic (PMID: 18303054, 24173031). This variant is present in population databases (rs571348995, gnomAD 0.01%). This variant has not been reported in the literature in individuals affected with ELP1-related conditions. ClinVar contains an entry for this variant (Variation ID: 651159). Algorithms developed to predict the effect of sequence changes on RNA splicing suggest that this variant may disrupt the consensus splice site. In summary, the currently available evidence indicates that the variant is pathogenic, but additional data are needed to prove that conclusively. Therefore, this variant has been classified as Likely Pathogenic.

Natera, Inc.
Classification: Likely pathogenic for Familial dysautonomia. Last evaluated: 2025-12-21. Review status: criteria provided, single submitter. Criteria: Natera Variant Classification Schema (03/2026). Collection method: clinical testing. Allele origin: germline.
Comment: The c.3572+1G>A variant in ELP1 is a canonical splice donor site variant predicted to affect pre-mRNA splicing, which may result in an abnormal transcript and altered protein product. This variant is expected to result in nonsense mediated decay, truncation, or a dysfunctional protein product. This variant is rare in the general population with a frequency below the threshold expected for the associated phenotype(s). Given the available evidence, this variant is classified as Likely Pathogenic.

Fulgent Genetics
Classification: Likely pathogenic for Medulloblastoma; Familial dysautonomia. Last evaluated: 2024-05-07. Review status: criteria provided, single submitter. Criteria: ACMG Guidelines, 2015. Collection method: clinical testing. Allele origin: germline.

Women's Health and Genetics/Laboratory Corporation of America, LabCorp
Classification: Likely pathogenic for Familial dysautonomia. Last evaluated: 2022-07-08. Review status: criteria provided, single submitter. Criteria: LabCorp Variant Classification Summary - May 2015. Collection method: clinical testing. Allele origin: germline.
Comment: Variant summary: IKBKAP (also known as ELP1) c.3572+1G>A is located in a canonical splice-site and is predicted to affect mRNA splicing resulting in a significantly altered protein due to either exon skipping, shortening, or inclusion of intronic material. Several computational tools predict a significant impact on normal splicing: Three predict the variant abolishes a 5 splicing donor site. However, these predictions have yet to be confirmed by functional studies. The variant allele was found at a frequency of 8e-06 in 251438 control chromosomes (gnomAD). c.3572+1G>A has been reported in the literature in one individual affected with medulloblastoma (Waszak_2020). These data do not allow any conclusion about variant significance. To our knowledge, no experimental evidence demonstrating an impact on protein function has been reported. Three ClinVar submitters (evaluation after 2014) cite the variant as likely pathogenic. Based on the evidence outlined above, the variant was classified as likely pathogenic.

Literature cited by the submitters: PubMed 16199547 (cited by Labcorp Genetics (formerly Invitae), Labcorp); PubMed 18303054 (cited by Labcorp Genetics (formerly Invitae), Labcorp); PubMed 24173031 (cited by Labcorp Genetics (formerly Invitae), Labcorp); PubMed 32296180 (cited by Women's Health and Genetics/Laboratory Corporation of America, LabCorp).